The following is an entry in ClinVar:

NC_000019.9:g.(?_13001933)_(13004477_?)del

Gene: GCDH (glutaryl-CoA dehydrogenase; plus strand). Cytogenetic location: 19p13.2.
Variant type: Deletion.
Identifiers: ClinVar variation 2422497 (VCV002422497.3).

ClinVar aggregate classification (germline): Pathogenic (1 of 4 stars; one submission).

Conditions:
Glutaric aciduria, type 1. Also called: Glutaricaciduria, type I; Glutaryl-CoA dehydrogenase deficiency; GA I; Glutaric Acidemia Type 1; Glutaric acidemia type I; Glutaricacidemia Type 1. Identifiers: Orphanet 25, MedGen C0268595, MONDO:0009281, OMIM 231670.

Submission:

Labcorp Genetics (formerly Invitae), Labcorp
Classification: Pathogenic for Glutaric aciduria, type 1. Last evaluated: 2022-07-25. Review status: criteria provided, single submitter. Criteria: Invitae Variant Classification Sherloc (09022015). Collection method: clinical testing. Allele origin: germline.
Comment: For these reasons, this variant has been classified as Pathogenic. This variant has not been reported in the literature in individuals affected with GCDH-related conditions. This variant is a gross deletion of the genomic region encompassing exon(s) 1-6 of the GCDH gene, which includes the initiator codon. This deletion extends beyond the assayed region for this gene and therefore may encompass additional genes. It is expected to result in an absent or disrupted protein product. Loss-of-function variants in GCDH are known to be pathogenic (PMID: 10699052, 11854167, 16602100).

Literature cited by the submitters: PubMed 10699052; PubMed 11854167; PubMed 16602100.